The following is an entry in ClinVar:

ClinVar aggregate classification (germline): Uncertain significance. Review status: criteria provided, multiple submitters, no conflicts (2 of 4 stars). 2 submissions from 2 submitters: Uncertain significance (2). Last evaluated 2017-04-27.

Conditions:
Congenital myasthenic syndrome (CMS). Also called: Congenital Myasthenic Syndromes. Identifiers: Orphanet 590, MedGen C0751882, MeSH D020294, MONDO:0018940.

Allele frequency attached by ClinVar (database versions not stated): 1000 Genomes Project 30x 0.00078; 1000 Genomes Project 0.00080; gnomAD 0.00170 and 0.00177.

Submissions (2):

Illumina Laboratory Services, Illumina
Classification: Uncertain significance for Congenital myasthenic syndrome. Last evaluated: 2017-04-27. Review status: criteria provided, single submitter. Criteria: ICSL Variant Classification Criteria 13 December 2019. Collection method: clinical testing. Allele origin: germline.
Comment: This variant was observed as part of a predisposition screen in an ostensibly healthy population. A literature search was performed for the gene, cDNA change, and amino acid change (where applicable). Publications were found based on this search. However, the evidence from the literature, in combination with allele frequency data from public databases where available, was not sufficient to rule this variant in or out of causing disease. Therefore, this variant is classified as a variant of unknown significance.

Breakthrough Genomics
Classification: Uncertain significance. Review status: criteria provided, single submitter. Criteria: ACMG Guidelines, 2015. Collection method: not provided. Allele origin: germline. Inheritance: Autosomal recessive inheritance. Affected: yes.

Literature cited by the submitters: PubMed 17363247 (cited by Illumina Laboratory Services, Illumina).

NM_000080.4(CHRNE):c.*855C>T

Genes: CHRNE (cholinergic receptor nicotinic epsilon subunit; minus strand), MINK1 (misshapen like kinase 1; plus strand). Cytogenetic location: 17p13.2.
Variant type: single nucleotide variant.
Coding change: c.*855C>T on transcript NM_000080.4 (MANE Select); 855 bases downstream of the stop codon, C replaced by T.
Molecular consequence: 3 prime UTR variant.
Genome position (GRCh38, 1-based): chr17:4,897,881, G>A on the plus strand (C>T on the coding strand, the complement: CHRNE is on the minus strand). VCF-style: chr17-4897881-G-A. GRCh37 (hg19) VCF-style: chr17-4801176-G-A.
Other names: c.*594G>A (NM_001024937.4, NM_001321236.2, NM_015716.5 and 2 more transcripts).
Identifiers: ClinVar variation 890890 (VCV000890890.5), dbSNP rs575836707, ClinGen allele CA287177630.